The following is an entry in ClinVar:

NM_000047.3(ARSL):c.988G>A (p.Val330Ile)

Gene: ARSL (arylsulfatase L; minus strand). Cytogenetic location: Xp22.33.
Variant type: single nucleotide variant.
Coding change: c.988G>A on transcript NM_000047.3 (MANE Select); coding-DNA position 988, G replaced by A.
Protein change: p.Val330Ile; replaces valine 330 with isoleucine.
Molecular consequence: missense variant.
Genome position (GRCh38, 1-based): chrX:2,946,001, C>T on the plus strand (G>A on the coding strand, the complement: ARSL is on the minus strand). VCF-style: chrX-2946001-C-T. GRCh37 (hg19) VCF-style: chrX-2864042-C-T.
Other names: c.1063G>A, p.Val355Ile (NM_001282628.2, NM_001369080.1); c.826G>A, p.Val276Ile (NM_001282631.2); c.1015G>A, p.Val339Ile (NM_001369079.1); short protein forms V355I, V276I, V339I, V330I.
Identifiers: ClinVar variation 2895487 (VCV002895487.3), dbSNP rs2518346085, ClinGen allele CA412279432.

ClinVar aggregate classification (germline): Uncertain significance (1 of 4 stars; one submission).

Conditions:
Chondrodysplasia punctata, brachytelephalangic, autosomal. Also called: BRACHYTELEPHALANGIC CHONDRODYSPLASIA PUNCTATA. Identifiers: MedGen C1844853, MONDO:0011238, OMIM 602497.

Submission:

Labcorp Genetics (formerly Invitae), Labcorp
Classification: Uncertain significance for Chondrodysplasia punctata, brachytelephalangic, autosomal. Last evaluated: 2023-06-20. Review status: criteria provided, single submitter. Criteria: Invitae Variant Classification Sherloc (09022015). Collection method: clinical testing. Allele origin: germline.
Comment: In summary, the available evidence is currently insufficient to determine the role of this variant in disease. Therefore, it has been classified as a Variant of Uncertain Significance. Algorithms developed to predict the effect of sequence changes on RNA splicing suggest that this variant may disrupt the consensus splice site. Advanced modeling of protein sequence and biophysical properties (such as structural, functional, and spatial information, amino acid conservation, physicochemical variation, residue mobility, and thermodynamic stability) has been performed at Invitae for this missense variant, however the output from this modeling did not meet the statistical confidence thresholds required to predict the impact of this variant on ARSE protein function. This variant has not been reported in the literature in individuals affected with ARSE-related conditions. This variant is not present in population databases (gnomAD no frequency). This sequence change replaces valine, which is neutral and non-polar, with isoleucine, which is neutral and non-polar, at codon 330 of the ARSE protein (p.Val330Ile).